The following is an entry in ClinVar:

ClinVar aggregate classification (germline): Benign/Likely benign. Review status: criteria provided, multiple submitters, no conflicts (2 of 4 stars). 3 submissions from 3 submitters: Benign (1); Likely benign (1). 1 of the submissions does not count toward it. Last evaluated 2026-01-20.

Conditions:
SRP54-related disorder. Also called: SRP54-related condition.

Submissions (3):

Labcorp Genetics (formerly Invitae), Labcorp
Classification: Benign. Last evaluated: 2026-01-20. Review status: criteria provided, single submitter. Criteria: Invitae Variant Classification Sherloc (09022015). Collection method: clinical testing. Allele origin: germline.

Blueprint Genetics
Classification: Likely benign. Last evaluated: 2024-11-27. Review status: criteria provided, single submitter. Criteria: ACMG Guidelines, 2015. Collection method: clinical testing. Allele origin: germline.

PreventionGenetics, part of Exact Sciences
Classification: Likely benign for SRP54-related condition. Last evaluated: 2021-02-16. Review status: no assertion criteria provided. Collection method: clinical testing. Allele origin: germline. Not counted in ClinVar's aggregate classification.
Comment: This variant is classified as likely benign based on ACMG/AMP sequence variant interpretation guidelines (Richards et al. 2015 PMID: 25741868, with internal and published modifications).

NM_003136.4(SRP54):c.1328-9dup

Gene: SRP54 (signal recognition particle 54; plus strand). Cytogenetic location: 14q13.2.
Variant type: Duplication.
Coding change: c.1328-9dup on transcript NM_003136.4 (MANE Select); 9 bases into the intron before coding-DNA position 1328, one base duplicated (T; older notation c.1328-9dupT).
Molecular consequence: intron variant.
Genome position (GRCh38, 1-based): chr14:35,028,079, T duplicated; the last of 11 consecutive T bases (chr14:35,028,069-35,028,079); duplicating any one gives the same sequence. VCF-style (leftmost placement, unchanged base first): chr14-35028068-C-CT. GRCh37 (hg19) VCF-style: chr14-35497274-C-CT.
Other names: c.1181-9dup (NM_001146282.2); c.1328-9dupT (NM_003136.3).
Identifiers: ClinVar variation 1542004 (VCV001542004.11), dbSNP rs369411374, ClinGen allele CA7153841.